The following is an entry in ClinVar:

ClinVar aggregate classification (germline): Uncertain significance. Review status: criteria provided, multiple submitters, no conflicts (2 of 4 stars). 2 submissions from 2 submitters: Uncertain significance (2). Last evaluated 2025-02-07.

Conditions:
WFS1-related disorder. Identifiers: MedGen CN379391, MONDO:0700293.

Submissions (2):

PreventionGenetics, part of Exact Sciences
Classification: Uncertain significance for WFS1-related condition. Last evaluated: 2025-02-07. Review status: criteria provided, single submitter. Criteria: ACMG Guidelines, 2015. Collection method: clinical testing. Allele origin: germline.
Comment: The WFS1 c.2552T>C variant is predicted to result in the amino acid substitution p.Met851Thr. To our knowledge, this variant has not been reported in the literature or in a large population database (gnomAD), indicating this variant is rare. At this time, the clinical significance of this variant is uncertain due to the absence of conclusive functional and genetic evidence.

Labcorp Genetics (formerly Invitae), Labcorp
Classification: Uncertain significance. Last evaluated: 2023-07-10. Review status: criteria provided, single submitter. Criteria: Invitae Variant Classification Sherloc (09022015). Collection method: clinical testing. Allele origin: germline.
Comment: In summary, the available evidence is currently insufficient to determine the role of this variant in disease. Therefore, it has been classified as a Variant of Uncertain Significance. Advanced modeling of protein sequence and biophysical properties (such as structural, functional, and spatial information, amino acid conservation, physicochemical variation, residue mobility, and thermodynamic stability) performed at Invitae indicates that this missense variant is not expected to disrupt WFS1 protein function. ClinVar contains an entry for this variant (Variation ID: 2127617). This variant has not been reported in the literature in individuals affected with WFS1-related conditions. This variant is not present in population databases (gnomAD no frequency). This sequence change replaces methionine, which is neutral and non-polar, with threonine, which is neutral and polar, at codon 851 of the WFS1 protein (p.Met851Thr).

NM_006005.3(WFS1):c.2552T>C (p.Met851Thr)

Gene: WFS1 (wolframin ER transmembrane glycoprotein; plus strand). Cytogenetic location: 4p16.1.
Variant type: single nucleotide variant.
Coding change: c.2552T>C on transcript NM_006005.3 (MANE Select); coding-DNA position 2552, T replaced by C.
Protein change: p.Met851Thr; replaces methionine 851 with threonine.
Molecular consequence: missense variant.
Genome position (GRCh38, 1-based): chr4:6,302,347, T>C. VCF-style: chr4-6302347-T-C. GRCh37 (hg19) VCF-style: chr4-6304074-T-C.
Other names: c.2552T>C, p.Met851Thr (NM_001145853.1); short protein forms M851T.
Identifiers: ClinVar variation 2127617 (VCV002127617.5), dbSNP rs758613421, ClinGen allele CA356179201.